The following is an entry in ClinVar:

ClinVar aggregate classification (germline): Benign (1 of 4 stars; one submission).

Conditions:
Hepatoencephalopathy due to combined oxidative phosphorylation defect type 1. Also called: HEPATOENCEPHALOPATHY, EARLY FATAL PROGRESSIVE. Identifiers: Orphanet 137681, MedGen C1836797, MONDO:0012191, OMIM 609060.

Allele frequency attached by ClinVar (database versions not stated): gnomAD 0.00631 and 0.00689; TOPMed 0.00687; 1000 Genomes Project 0.00739; 1000 Genomes Project 30x 0.00828.

Submission:

Illumina Laboratory Services, Illumina
Classification: Benign for Hepatoencephalopathy due to combined oxidative phosphorylation defect type 1. Last evaluated: 2018-01-13. Review status: criteria provided, single submitter. Criteria: ICSL Variant Classification Criteria 13 December 2019. Collection method: clinical testing. Allele origin: germline.
Comment: This variant was observed in the ICSL laboratory as part of a predisposition screen in an ostensibly healthy population. It had not been previously curated by ICSL or reported in the Human Gene Mutation Database (HGMD: prior to June 1st, 2018), and was therefore a candidate for classification through an automated scoring system. Utilizing variant allele frequency, disease prevalence and penetrance estimates, and inheritance mode, an automated score was calculated to assess if this variant is too frequent to cause the disease. Based on the score and internal cut-off values, a variant classified as benign is not then subjected to further curation. The score for this variant resulted in a classification of benign for this disease.

NM_024996.7(GFM1):c.*766G>T

Gene: GFM1 (G elongation factor mitochondrial 1; plus strand). Cytogenetic location: 3q25.32.
Variant type: single nucleotide variant.
Coding change: c.*766G>T on transcript NM_024996.7 (MANE Select); 766 bases downstream of the stop codon, G replaced by T.
Molecular consequence: 3 prime UTR variant. On other transcripts: non-coding transcript variant (4).
Genome position (GRCh38, 1-based): chr3:158,692,233, G>T. VCF-style: chr3-158692233-G-T. GRCh37 (hg19) VCF-style: chr3-158410022-G-T.
Other names: c.*766G>T (NM_001308164.2, NM_001374355.1, NM_001374356.1 and 5 more transcripts).
Identifiers: ClinVar variation 343949 (VCV000343949.5), dbSNP rs114751518, ClinGen allele CA10617590.
Genomic context (GRCh38, chr3:158,692,233, plus strand): 5'-GTGGTTTCTGCAAATTTGTAACTGCCTCTGTTTTAGGAGTATAAGTATTACTTCCTTGTG[G>T]TCTATTGTGAAGTAAAAAGTAGACCCTTGCATATACTATTCTTGTTTGTGTTCATCTTAA-3'